The following is an entry in ClinVar:

ClinVar aggregate classification (germline): Uncertain significance (1 of 4 stars; one submission).

Conditions:
Charcot-Marie-Tooth disease type 4. Also called: Charcot-Marie-Tooth, Type 4; Charcot-Marie-Tooth disease, type IV. Identifiers: Orphanet 64749, MedGen C4082197, MONDO:0018995.

Allele frequency attached by ClinVar (database versions not stated): gnomAD exomes below 0.00001.
gnomAD v4.1: 2 of 1,612,086 alleles (0.00012%); highest among the groups gnomAD compares: Non-Finnish European, 0.00017%; no homozygotes.

Submission:

Labcorp Genetics (formerly Invitae), Labcorp
Classification: Uncertain significance for Charcot-Marie-Tooth disease type 4. Last evaluated: 2021-10-06. Review status: criteria provided, single submitter. Criteria: Invitae Variant Classification Sherloc (09022015). Collection method: clinical testing. Allele origin: germline.
Comment: This sequence change replaces threonine with isoleucine at codon 39 of the SBF2 protein (p.Thr39Ile). The threonine residue is moderately conserved and there is a moderate physicochemical difference between threonine and isoleucine. This variant is not present in population databases (ExAC no frequency). This variant has not been reported in the literature in individuals affected with SBF2-related conditions. Algorithms developed to predict the effect of missense changes on protein structure and function are either unavailable or do not agree on the potential impact of this missense change (SIFT: "Deleterious"; PolyPhen-2: "Benign"; Align-GVGD: "Class C0"). In summary, the available evidence is currently insufficient to determine the role of this variant in disease. Therefore, it has been classified as a Variant of Uncertain Significance.

NM_030962.4(SBF2):c.116C>T (p.Thr39Ile)

Gene: SBF2 (SET binding factor 2; minus strand). Cytogenetic location: 11p15.4.
Variant type: single nucleotide variant.
Coding change: c.116C>T on transcript NM_030962.4 (MANE Select); coding-DNA position 116, C replaced by T.
Protein change: p.Thr39Ile; replaces threonine 39 with isoleucine.
Molecular consequence: missense variant.
Genome position (GRCh38, 1-based): chr11:10,193,927, G>A on the plus strand (C>T on the coding strand, the complement: SBF2 is on the minus strand). VCF-style: chr11-10193927-G-A. GRCh37 (hg19) VCF-style: chr11-10215474-G-A.
Other names: c.116C>T, p.Thr39Ile (NM_001386339.1, NM_001386342.1); short protein forms T39I.
Identifiers: ClinVar variation 1506523 (VCV001506523.5), dbSNP rs1957273770, ClinGen allele CA379850541.